The following is an entry in ClinVar:

NM_024426.6(WT1):c.65C>A (p.Thr22Lys)

Genes: WT1 (WT1 transcription factor; minus strand), LOC107982234 (WT1/WT1-AS bi-directional promoter region; plus strand). Cytogenetic location: 11p13.
Variant type: single nucleotide variant.
Coding change: c.65C>A on transcript NM_024426.6 (MANE Select); coding-DNA position 65, C replaced by A.
Protein change: p.Thr22Lys; replaces threonine 22 with lysine.
Molecular consequence: missense variant. On other transcripts: non-coding transcript variant (2).
Genome position (GRCh38, 1-based): chr11:32,435,296, G>T on the plus strand (C>A on the coding strand, the complement: WT1 is on the minus strand). VCF-style: chr11-32435296-G-T. GRCh37 (hg19) VCF-style: chr11-32456842-G-T.
Other names: c.65C>A, p.Thr22Lys (NM_000378.6, NM_001407044.1, NM_001407045.1 and 6 more transcripts); c.-155C>A (NM_001429031.1, NM_001429032.1, NM_001429033.1 and 1 more transcripts); c.50C>A, p.Thr17Lys (NM_024425.2); short protein forms T17K, T22K.
Identifiers: ClinVar variation 3073049 (VCV003073049.1), dbSNP rs2133107571, ClinGen allele CA379966458.

ClinVar aggregate classification (germline): Uncertain significance (1 of 4 stars; one submission).

Conditions:
Wilms tumor 1 (WT1). Also called: Wilms tumor, somatic. Identifiers: Orphanet 654, MedGen CN033288, MONDO:0008679, OMIM 194070.

Submission:

All of Us Research Program, National Institutes of Health
Classification: Uncertain significance for Wilms tumor 1. Last evaluated: 2023-11-30. Review status: criteria provided, single submitter. Criteria: ACMG Guidelines, 2015. Collection method: clinical testing. Allele origin: germline. Inheritance: Autosomal dominant inheritance. Observed: 1 variant allele, 1 heterozygote.
Comment: This study involves interpretation of variants in research participants for the purpose of population health screening. Participant phenotype was not available at the time of variant classification. Additional details can be found in publication PMID: 35346344, PMCID: PMC8962531